The following is an entry in ClinVar:

ClinVar aggregate classification (germline): Uncertain significance (1 of 4 stars; one submission).

Submission:

GeneDx
Classification: Uncertain significance. Last evaluated: 2024-03-31. Review status: criteria provided, single submitter. Criteria: GeneDx Variant Classification Process June 2021. Collection method: clinical testing. Allele origin: germline. Affected: yes.
Comment: Not observed at significant frequency in large population cohorts (gnomAD); In silico analysis supports that this missense variant does not alter protein structure/function; Has not been previously published as pathogenic or benign to our knowledge

NM_001194998.2(CEP152):c.324T>G (p.Asn108Lys)

Gene: CEP152 (centrosomal protein 152; minus strand). Cytogenetic location: 15q21.1.
Variant type: single nucleotide variant.
Coding change: c.324T>G on transcript NM_001194998.2 (MANE Select); coding-DNA position 324, T replaced by G.
Protein change: p.Asn108Lys; replaces asparagine 108 with lysine.
Molecular consequence: missense variant.
Genome position (GRCh38, 1-based): chr15:48,797,517, A>C on the plus strand (T>G on the coding strand, the complement: CEP152 is on the minus strand). VCF-style: chr15-48797517-A-C. GRCh37 (hg19) VCF-style: chr15-49089714-A-C.
Other names: c.324T>G, p.Asn108Lys (NM_014985.4); short protein forms N108K.
Identifiers: ClinVar variation 3371896 (VCV003371896.1).